The following is an entry in ClinVar:

ClinVar aggregate classification (germline): Uncertain significance (1 of 4 stars; one submission).

gnomAD v4.1: 1 of 1,550,276 alleles (0.000065%); highest among the groups gnomAD compares: African/African-American, 0.0014%; no homozygotes.

Submission:

GeneDx
Classification: Uncertain significance. Last evaluated: 2024-06-18. Review status: criteria provided, single submitter. Criteria: GeneDx Variant Classification Process June 2021. Collection method: clinical testing. Allele origin: germline. Affected: yes.
Comment: Not observed at significant frequency in large population cohorts (gnomAD); In silico analysis indicates that this missense variant does not alter protein structure/function; Has not been previously published as pathogenic or benign to our knowledge

NM_001292063.2(OTOG):c.6698G>A (p.Gly2233Asp)

Gene: OTOG (otogelin; plus strand). Cytogenetic location: 11p15.1.
Variant type: single nucleotide variant.
Coding change: c.6698G>A on transcript NM_001292063.2 (MANE Select); coding-DNA position 6698, G replaced by A.
Protein change: p.Gly2233Asp; replaces glycine 2233 with aspartic acid.
Molecular consequence: missense variant.
Genome position (GRCh38, 1-based): chr11:17,629,302, G>A. VCF-style: chr11-17629302-G-A. GRCh37 (hg19) VCF-style: chr11-17650849-G-A.
Other names: c.6734G>A, p.Gly2245Asp (NM_001277269.2); short protein forms G2233D, G2245D.
Identifiers: ClinVar variation 3391588 (VCV003391588.1).